The following is an entry in ClinVar:

NM_206933.4(USH2A):c.4126T>C (p.Tyr1376His)

Genes: USH2A (usherin; minus strand), USH2A-AS1 (USH2A antisense RNA 1; plus strand). Cytogenetic location: 1q41.
Variant type: single nucleotide variant.
Coding change: c.4126T>C on transcript NM_206933.4 (MANE Select); coding-DNA position 4126, T replaced by C.
Protein change: p.Tyr1376His; replaces tyrosine 1376 with histidine.
Molecular consequence: missense variant.
Genome position (GRCh38, 1-based): chr1:216,196,678, A>G on the plus strand (T>C on the coding strand, the complement: USH2A is on the minus strand). VCF-style: chr1-216196678-A-G. GRCh37 (hg19) VCF-style: chr1-216370020-A-G.
Other names: c.4126T>C, p.Tyr1376His (NM_007123.6); c.4126T>C (NM_206933.2); short protein forms Y1376H.
Identifiers: ClinVar variation 930059 (VCV000930059.8), dbSNP rs374449657, ClinGen allele CA1395800.
Genomic context (GRCh38, chr1:216,196,678, plus strand): 5'-CCACAACTTTTCCTCTTGTAACATTATCTGCTGGCTTCTCCCAGGAGATATTGAGAGAGT[A>G]CGAAGAGAGGGGAAAGACTGAAGGAGGGATCATGAATACAGGTGCTATCAATGAGAACAA-3'
Protein context (NP_996816.3, residues 1366-1386): IPPSVFPLSS[Tyr1376His]SLNISWEKPA

ClinVar aggregate classification (germline): Conflicting classifications of pathogenicity. Review status: criteria provided, conflicting classifications (1 of 4 stars). 4 submissions from 4 submitters: Uncertain significance (2); Likely benign (2). Last evaluated 2025-12-10.

Conditions:
Inborn genetic diseases. Identifiers: MedGen C0950123, MeSH D030342.

Allele frequency attached by ClinVar (database versions not stated): TOPMed below 0.00001; gnomAD exomes 0.00001 and 0.00002; ExAC 0.00002; gnomAD 0.00004; ESP Exome Variant Server 0.00008.
gnomAD v4.1: 31 of 1,613,372 alleles (0.0019%); highest among the groups gnomAD compares: Non-Finnish European, 0.0025%; no homozygotes.

Submissions (4):

Ambry Genetics
Classification: Likely benign for Inborn genetic diseases. Last evaluated: 2025-12-10. Review status: criteria provided, single submitter. Criteria: Ambry Variant Classification Scheme 2023. Collection method: clinical testing. Allele origin: germline.

Blueprint Genetics
Classification: Uncertain significance. Last evaluated: 2024-02-27. Review status: criteria provided, single submitter. Criteria: ACMG Guidelines, 2015. Collection method: clinical testing. Allele origin: germline.

Labcorp Genetics (formerly Invitae), Labcorp
Classification: Uncertain significance. Last evaluated: 2021-08-26. Review status: criteria provided, single submitter. Criteria: Invitae Variant Classification Sherloc (09022015). Collection method: clinical testing. Allele origin: germline.
Comment: This sequence change replaces tyrosine with histidine at codon 1376 of the USH2A protein (p.Tyr1376His). The tyrosine residue is moderately conserved and there is a moderate physicochemical difference between tyrosine and histidine. This variant is present in population databases (rs374449657, ExAC 0.009%). This variant has not been reported in the literature in individuals affected with USH2A-related conditions. Algorithms developed to predict the effect of missense changes on protein structure and function output the following: SIFT: "Tolerated"; PolyPhen-2: "Benign"; Align-GVGD: "Class C0". The histidine amino acid residue is found in multiple mammalian species, which suggests that this missense change does not adversely affect protein function. In summary, the available evidence is currently insufficient to determine the role of this variant in disease. Therefore, it has been classified as a Variant of Uncertain Significance.

Laboratory for Molecular Medicine, Mass General Brigham Personalized Medicine
Classification: Likely benign. Last evaluated: 2020-01-15. Review status: criteria provided, single submitter. Criteria: LMM Criteria. Collection method: clinical testing. Allele origin: germline. Observed: 1 variant allele.
Comment: The p.Tyr1376His variant in USH2A is classified as likely benign due to a lack of conservation across species. Over 10 mammals harbor a histidine (His) at this position despite high nearby amino acid conservation. ACMG/AMP Criteria applied: BP4_Strong.